The following is an entry in ClinVar:

NM_001326317.2(CELF2):c.-55-73833G>A

Gene: CELF2 (CUGBP Elav-like family member 2; plus strand). Cytogenetic location: 10p14.
Variant type: single nucleotide variant.
Coding change: c.-55-73833G>A on transcript NM_001326317.2; 73833 bases into the intron before 55 bases upstream of the start codon, G replaced by A.
Molecular consequence: intron variant. On other transcripts: 5 prime UTR variant (3), missense variant (1).
Genome position (GRCh38, 1-based): chr10:10,846,131, G>A. VCF-style: chr10-10846131-G-A. GRCh37 (hg19) VCF-style: chr10-10888094-G-A.
Other names: c.-81G>A (NM_001326320.2, NM_001326323.2, NM_001326328.2); c.85G>A, p.Asp29Asn (NM_001326325.2); c.-93-73833G>A (NM_001326319.2); c.-55-73833G>A (NM_001326321.2, NM_001326318.2); c.-56+49228G>A (NM_001326324.2); c.53+47314G>A (NM_001326327.2, NM_001326326.2); short protein forms D29N.
Identifiers: ClinVar variation 2640297 (VCV002640297.22), dbSNP rs118184393, ClinGen allele CA203047924.
Genomic context (GRCh38, chr10:10,846,131, plus strand): 5'-GATTCGATCAGATCCTTCTGCGCTCCCAGAGTTCAAGCAGGAGTAAGCAATTCCTTTGAC[G>A]ATATTTGGGAACCTCGCTATTCACAGTAAGGAATCCATTCCTTCCTCCCCTTCTGCTAAG-3'

ClinVar aggregate classification (germline): Likely benign (1 of 4 stars; one submission).

Allele frequency attached by ClinVar (database versions not stated): 1000 Genomes Project 0.00180; 1000 Genomes Project 30x 0.00172.
gnomAD v4.1: 3,506 of 984,760 alleles (0.36%); highest among the groups gnomAD compares: Non-Finnish European, 0.39%; 6 homozygotes.

Submission:

CeGaT Center for Human Genetics Tuebingen
Classification: Likely benign. Last evaluated: 2023-04-01. Review status: criteria provided, single submitter. Criteria: CeGaT Center For Human Genetics Tuebingen Variant Classification Criteria Version 2. Collection method: clinical testing. Allele origin: germline. Affected: yes. Observed: 2 variant alleles.
Comment: CELF2: BS1